The following is an entry in ClinVar:

ClinVar aggregate classification (germline): Uncertain significance (1 of 4 stars; one submission).

Allele frequency attached by ClinVar (database versions not stated): ExAC 0.00001; gnomAD exomes 0.00001.
gnomAD v4.1: 17 of 1,612,654 alleles (0.0011%); highest among the groups gnomAD compares: Non-Finnish European, 0.0014%; no homozygotes.

Submission:

Labcorp Genetics (formerly Invitae), Labcorp
Classification: Uncertain significance. Last evaluated: 2022-09-13. Review status: criteria provided, single submitter. Criteria: Invitae Variant Classification Sherloc (09022015). Collection method: clinical testing. Allele origin: germline.
Comment: Variants that disrupt the consensus splice site are a relatively common cause of aberrant splicing (PMID: 17576681, 9536098). Algorithms developed to predict the effect of sequence changes on RNA splicing suggest that this variant is not likely to affect RNA splicing. In summary, the available evidence is currently insufficient to determine the role of this variant in disease. Therefore, it has been classified as a Variant of Uncertain Significance. This variant has not been reported in the literature in individuals affected with FAM161A-related conditions. This variant is present in population databases (rs745988939, gnomAD 0.007%). This sequence change falls in intron 5 of the FAM161A gene. It does not directly change the encoded amino acid sequence of the FAM161A protein. It affects a nucleotide within the consensus splice site.

Literature cited by the submitters: PubMed 17576681; PubMed 9536098.

NM_001201543.2(FAM161A):c.1852-3T>C

Gene: FAM161A (FAM161 centrosomal protein A; minus strand). Cytogenetic location: 2p15.
Variant type: single nucleotide variant.
Coding change: c.1852-3T>C on transcript NM_001201543.2 (MANE Select); 3 bases into the intron before coding-DNA position 1852, T replaced by C.
Molecular consequence: intron variant.
Genome position (GRCh38, 1-based): chr2:61,827,261, A>G on the plus strand (T>C on the coding strand, the complement: FAM161A is on the minus strand). VCF-style: chr2-61827261-A-G. GRCh37 (hg19) VCF-style: chr2-62054396-A-G.
Other names: c.1684-3T>C (NM_032180.3).
Identifiers: ClinVar variation 2160129 (VCV002160129.4), dbSNP rs745988939, ClinGen allele CA1679002.